The following is an entry in ClinVar:

ClinVar aggregate classification (germline): Benign (1 of 4 stars; one submission).

Conditions:
MAPT-Related Spectrum Disorders.

Allele frequency attached by ClinVar (database versions not stated): 1000 Genomes Project 30x 0.00219; 1000 Genomes Project 0.00220; gnomAD 0.00243 and 0.00262; TOPMed 0.00243.

Submission:

Illumina Laboratory Services, Illumina
Classification: Benign for MAPT-Related Spectrum Disorders. Last evaluated: 2018-01-13. Review status: criteria provided, single submitter. Criteria: ICSL Variant Classification Criteria 13 December 2019. Collection method: clinical testing. Allele origin: germline.
Comment: This variant was observed in the ICSL laboratory as part of a predisposition screen in an ostensibly healthy population. It had not been previously curated by ICSL or reported in the Human Gene Mutation Database (HGMD: prior to June 1st, 2018), and was therefore a candidate for classification through an automated scoring system. Utilizing variant allele frequency, disease prevalence and penetrance estimates, and inheritance mode, an automated score was calculated to assess if this variant is too frequent to cause the disease. Based on the score and internal cut-off values, a variant classified as benign is not then subjected to further curation. The score for this variant resulted in a classification of benign for this disease.

NM_001377265.1(MAPT):c.*732C>A

Gene: MAPT (microtubule associated protein tau). Cytogenetic location: 17q21.31.
Variant type: single nucleotide variant.
Coding change: c.*732C>A on transcript NM_001377265.1 (MANE Select); 732 bases downstream of the stop codon, C replaced by A.
Molecular consequence: 3 prime UTR variant. On other transcripts: non-coding transcript variant (1), intron variant (1).
Genome position (GRCh38, 1-based): chr17:46,024,903, C>A. VCF-style: chr17-46024903-C-A. GRCh37 (hg19) VCF-style: chr17-44102269-C-A.
Other names: c.*732C>A (NM_001123066.4, NM_001123067.4, NM_001203251.2 and 7 more transcripts); c.772-214C>A (NM_001377267.1).
Identifiers: ClinVar variation 323663 (VCV000323663.5), dbSNP rs189413478, ClinGen allele CA10649464.